The following is an entry in ClinVar:

ClinVar aggregate classification (germline): Uncertain significance (1 of 4 stars; one submission).

Conditions:
Hereditary cancer-predisposing syndrome. Also called: Hereditary Cancer Syndrome; Neoplastic Syndromes, Hereditary; Tumor predisposition; Hereditary neoplastic syndrome. Identifiers: Orphanet 140162, MedGen C0027672, MeSH D009386, MONDO:0015356.

Submission:

Ambry Genetics
Classification: Uncertain significance for Hereditary cancer-predisposing syndrome. Last evaluated: 2021-07-28. Review status: criteria provided, single submitter. Criteria: Ambry Variant Classification Scheme 2023. Collection method: clinical testing. Allele origin: germline.
Comment: The c.4777-5T>G intronic variant results from a T to G substitution 5 nucleotides upstream from coding exon 31 in the ATM gene. This nucleotide position is highly conserved in available vertebrate species. In silico splice site analysis predicts that this alteration will weaken the native splice acceptor site. Since supporting evidence is limited at this time, the clinical significance of this alteration remains unclear.

NM_000051.4(ATM):c.4777-5T>G

Gene: ATM (ATM serine/threonine kinase; plus strand). Cytogenetic location: 11q22.3.
Variant type: single nucleotide variant.
Coding change: c.4777-5T>G on transcript NM_000051.4 (MANE Select); 5 bases into the intron before coding-DNA position 4777, T replaced by G.
Molecular consequence: intron variant.
Genome position (GRCh38, 1-based): chr11:108,294,922, T>G. VCF-style: chr11-108294922-T-G. GRCh37 (hg19) VCF-style: chr11-108165649-T-G.
Other names: c.4777-5T>G (NM_001351834.2).
Identifiers: ClinVar variation 1743000 (VCV001743000.2), dbSNP rs2546942039, ClinGen allele CA2580083431.
Genomic context (GRCh38, chr11:108,294,922, plus strand): 5'-TATTAAGTTTTATTTCACAGGCTTAACCAATACGTGTTAAAAGCAAGTTACATTTTCTCT[T>G]TTAGGAAATTAACCATTTTCTCTCAGTAAGTGTTTATGATGCACTTCCATTGACAAGACT-3'